The following is an entry in ClinVar:

NM_001099403.2(PRDM8):c.1744T>C (p.Trp582Arg)

Gene: PRDM8 (PR/SET domain 8; plus strand). Cytogenetic location: 4q21.21.
Variant type: single nucleotide variant.
Coding change: c.1744T>C on transcript NM_001099403.2 (MANE Select); coding-DNA position 1744, T replaced by C.
Protein change: p.Trp582Arg; replaces tryptophan 582 with arginine.
Molecular consequence: missense variant.
Genome position (GRCh38, 1-based): chr4:80,203,206, T>C. VCF-style: chr4-80203206-T-C. GRCh37 (hg19) VCF-style: chr4-81124360-T-C.
Other names: c.1744T>C, p.Trp582Arg (NM_020226.4); short protein forms W582R.
Identifiers: ClinVar variation 971852 (VCV000971852.9), dbSNP rs1738705118, ClinGen allele CA357402529.

ClinVar aggregate classification (germline): Uncertain significance (1 of 4 stars; one submission).

Conditions:
Early-onset Lafora body disease. Also called: Epilepsy, progressive myoclonic, 10. Identifiers: Orphanet 324290, MedGen C4225258, MONDO:0014717, OMIM 616640.

Allele frequency attached by ClinVar (database versions not stated): gnomAD exomes below 0.00001.
gnomAD v4.1: 2 of 1,551,614 alleles (0.00013%); highest among the groups gnomAD compares: South Asian, 0.0012%; no homozygotes.

Submission:

Labcorp Genetics (formerly Invitae), Labcorp
Classification: Uncertain significance for Early-onset Lafora body disease. Last evaluated: 2019-09-28. Review status: criteria provided, single submitter. Criteria: Invitae Variant Classification Sherloc (09022015). Collection method: clinical testing. Allele origin: germline.
Comment: The frequency data for this variant in the population databases is considered unreliable, as metrics indicate insufficient coverage at this position in the ExAC database. In summary, the available evidence is currently insufficient to determine the role of this variant in disease. Therefore, it has been classified as a Variant of Uncertain Significance. Algorithms developed to predict the effect of missense changes on protein structure and function are either unavailable or do not agree on the potential impact of this missense change (SIFT: "Deleterious"; PolyPhen-2: "Probably Damaging"; Align-GVGD: "Class C0"). This variant has not been reported in the literature in individuals with PRDM8-related conditions. This sequence change replaces tryptophan with arginine at codon 582 of the PRDM8 protein (p.Trp582Arg). The tryptophan residue is moderately conserved and there is a moderate physicochemical difference between tryptophan and arginine.